The following is an entry in ClinVar:

ClinVar aggregate classification (germline): Pathogenic. Review status: criteria provided, single submitter (1 of 4 stars). 2 submissions from 2 submitters: Pathogenic (1). 1 of the submissions does not count toward it. Last evaluated 2022-09-04.

Conditions:
Tuberous sclerosis syndrome (TSC). Also called: Tuberous Sclerosis Complex; Tuberous sclerosis. Identifiers: Orphanet 805, MedGen C0041341, MONDO:0001734.
Tuberous sclerosis 1 (TSC1). Identifiers: Orphanet 805, MedGen C1854465, MONDO:0008612, OMIM 191100.

Submissions (2):

Labcorp Genetics (formerly Invitae), Labcorp
Classification: Pathogenic for Tuberous sclerosis 1. Last evaluated: 2022-09-04. Review status: criteria provided, single submitter. Criteria: Invitae Variant Classification Sherloc (09022015). Collection method: clinical testing. Allele origin: germline.
Comment: This sequence change creates a premature translational stop signal (p.Thr824*) in the TSC1 gene. It is expected to result in an absent or disrupted protein product. Loss-of-function variants in TSC1 are known to be pathogenic (PMID: 10227394, 17304050). For these reasons, this variant has been classified as Pathogenic. ClinVar contains an entry for this variant (Variation ID: 48960). This variant is also known as 2691delAC. This premature translational stop signal has been observed in individual(s) with tuberous sclerosis complex (PMID: 9242607, 9803264). This variant is not present in population databases (gnomAD no frequency).

Tuberous sclerosis database (TSC1)
No classification provided. Condition: TSC. Review status: no classification provided. Criteria: Tuberous Sclerosis Database Assertion Criteria 2015. Collection method: curation. Allele origin: germline. Affected: yes. Not counted in ClinVar's aggregate classification.

Literature cited by the submitters: PubMed 10227394 (cited by Labcorp Genetics (formerly Invitae), Labcorp); PubMed 17304050 (cited by Labcorp Genetics (formerly Invitae), Labcorp); PubMed 9242607 (cited by Labcorp Genetics (formerly Invitae), Labcorp); PubMed 9803264 (cited by Labcorp Genetics (formerly Invitae), Labcorp).

NM_000368.5(TSC1):c.2470_2471del (p.His823_Thr824insTer)

Gene: TSC1 (TSC complex subunit 1; minus strand). Cytogenetic location: 9q34.13.
Variant type: Microsatellite.
Coding change: c.2470_2471del on transcript NM_000368.5 (MANE Select); coding-DNA positions 2470 to 2471, 2 bases deleted (AC; older notation c.2470_2471delAC).
Protein change: p.His823_Thr824insTer.
Molecular consequence: nonsense.
Genome position (GRCh38, 1-based): chr9:132,901,620-132,901,621, GT deleted on the plus strand (AC on the coding strand, the reverse complement: TSC1 is on the minus strand); deleting any 2 consecutive bases within chr9:132,901,620-132,901,624 gives the same sequence; the c. name uses the placement nearest the transcript's 3' end. VCF-style (leftmost placement, unchanged base first): chr9-132901619-AGT-A. GRCh37 (hg19) VCF-style: chr9-135777006-AGT-A.
Other names: c.2470_2471del (NM_000368.4); c.2467_2468del, p.His822_Thr823insTer (NM_001162426.2); c.2317_2318del, p.His772_Thr773insTer (NM_001162427.2); c.2107_2108del, p.His702_Thr703insTer (NM_001362177.2).
Identifiers: ClinVar variation 48960 (VCV000048960.6), dbSNP rs118203697, ClinGen allele CA006473.